The following is an entry in ClinVar:

ClinVar aggregate classification (germline): Likely pathogenic (1 of 4 stars; one submission).

Submission:

Labcorp Genetics (formerly Invitae), Labcorp
Classification: Likely pathogenic. Last evaluated: 2022-07-12. Review status: criteria provided, single submitter. Criteria: Invitae Variant Classification Sherloc (09022015). Collection method: clinical testing. Allele origin: germline.
Comment: Algorithms developed to predict the effect of sequence changes on RNA splicing suggest that this variant may disrupt the consensus splice site. In summary, the currently available evidence indicates that the variant is pathogenic, but additional data are needed to prove that conclusively. Therefore, this variant has been classified as Likely Pathogenic. This variant has not been reported in the literature in individuals affected with TTLL5-related conditions. This variant is not present in population databases (gnomAD no frequency). This variant results in the deletion of part of exon 21 (c.2131_2136+20del) of the TTLL5 gene. It is expected to disrupt RNA splicing. Variants that disrupt the donor or acceptor splice site typically lead to a loss of protein function (PMID: 16199547), and loss-of-function variants in TTLL5 are known to be pathogenic (PMID: 24791901, 27162334).

Literature cited by the submitters: PubMed 16199547; PubMed 24791901; PubMed 27162334.

NM_015072.5(TTLL5):c.2131_2136+20del

Gene: TTLL5 (tubulin tyrosine ligase like 5; plus strand). Cytogenetic location: 14q24.3.
Variant type: Deletion.
Coding change: c.2131_2136+20del on transcript NM_015072.5 (MANE Select); coding-DNA position 2131 through 20 bases into the intron after coding-DNA position 2136, 26 bases deleted (CAGATGGTAAGGCTTTTCTTACTGAA).
Molecular consequence: splice donor variant.
Genome position (GRCh38, 1-based): chr14:75,771,849-75,771,874, CAGATGGTAAGGCTTTTCTTACTGAA deleted; deleting any 26 consecutive bases within chr14:75,771,845-75,771,874 gives the same sequence; the c. name uses the placement nearest the transcript's 3' end. VCF-style (leftmost placement, unchanged base first): chr14-75771844-ATGAACAGATGGTAAGGCTTTTCTTAC-A. GRCh37 (hg19) VCF-style: chr14-76238187-ATGAACAGATGGTAAGGCTTTTCTTAC-A.
Identifiers: ClinVar variation 2063282 (VCV002063282.4), dbSNP rs1891341077, ClinGen allele CA964807272.